The following is an entry in ClinVar:

ClinVar aggregate classification (germline): Uncertain significance (1 of 4 stars; one submission).

gnomAD v4.1: 9 of 1,614,062 alleles (0.00056%); highest among the groups gnomAD compares: African/African-American, 0.0027%; no homozygotes.

Submission:

Labcorp Genetics (formerly Invitae), Labcorp
Classification: Uncertain significance. Last evaluated: 2024-04-16. Review status: criteria provided, single submitter. Criteria: Invitae Variant Classification Sherloc (09022015). Collection method: clinical testing. Allele origin: germline.
Comment: This sequence change replaces arginine, which is basic and polar, with tryptophan, which is neutral and slightly polar, at codon 109 of the TARS2 protein (p.Arg109Trp). The frequency data for this variant in the population databases is considered unreliable, as metrics indicate poor data quality at this position in the gnomAD database. This variant has not been reported in the literature in individuals affected with TARS2-related conditions. ClinVar contains an entry for this variant (Variation ID: 2009410). Advanced modeling of protein sequence and biophysical properties (such as structural, functional, and spatial information, amino acid conservation, physicochemical variation, residue mobility, and thermodynamic stability) performed at Invitae indicates that this missense variant is not expected to disrupt TARS2 protein function with a negative predictive value of 80%. In summary, the available evidence is currently insufficient to determine the role of this variant in disease. Therefore, it has been classified as a Variant of Uncertain Significance.

NM_025150.5(TARS2):c.325C>T (p.Arg109Trp)

Gene: TARS2 (threonyl-tRNA synthetase 2, mitochondrial; plus strand). Cytogenetic location: 1q21.2.
Variant type: single nucleotide variant.
Coding change: c.325C>T on transcript NM_025150.5 (MANE Select); coding-DNA position 325, C replaced by T.
Protein change: p.Arg109Trp; replaces arginine 109 with tryptophan.
Molecular consequence: missense variant. On other transcripts: non-coding transcript variant (1).
Genome position (GRCh38, 1-based): chr1:150,489,025, C>T. VCF-style: chr1-150489025-C-T. GRCh37 (hg19) VCF-style: chr1-150461501-C-T.
Other names: c.325C>T, p.Arg109Trp (NM_001271895.2, NM_001271896.2); short protein forms R109W.
Identifiers: ClinVar variation 2009410 (VCV002009410.4), dbSNP rs771685918, ClinGen allele CA1076630.